The following is an entry in ClinVar:

ClinVar aggregate classification (germline): Likely benign. Review status: criteria provided, multiple submitters, no conflicts (2 of 4 stars). 3 submissions from 3 submitters: Likely benign (3). Last evaluated 2025-03-27.

Conditions:
Hereditary cancer-predisposing syndrome. Also called: Hereditary Cancer Syndrome; Hereditary neoplastic syndrome; Tumor predisposition; Neoplastic Syndromes, Hereditary. Identifiers: Orphanet 140162, MedGen C0027672, MeSH D009386, MONDO:0015356.
Hereditary breast ovarian cancer syndrome. Also called: BRCA1- and BRCA2-Associated Hereditary Breast and Ovarian Cancer; Hereditary breast and ovarian cancer syndrome; Hereditary breast and ovarian cancer syndrome (HBOC); Hereditary breast and/or ovarian cancer syndrome; Hereditary breast and ovarian cancer; Breast and ovarian cancer. Identifiers: Orphanet 145, MedGen C0677776, MeSH D061325, MONDO:0003582. Disease mechanism: loss of function.

Submissions (3):

Institute for Biomarker Research, Medical Diagnostic Laboratories, L.L.C.
Classification: Likely benign for Hereditary cancer-predisposing syndrome. Last evaluated: 2025-03-27. Review status: criteria provided, single submitter. Criteria: ACMG Guidelines, 2015. Collection method: clinical testing. Allele origin: germline.
Comment: The synonymous variant NM_000059.4(BRCA2):c.4737A>C (p.Ala1579=) has been reported to ClinVar as Likely benign with a status of (2 stars) criteria provided, multiple submitters, no conflicts (Variation ID 1080620 as of 2025-03-07). The p.Ala1579= variant is not predicted to disrupt an existing splice site. The p.Ala1579= variant is predicted to introduce a novel splice site by 1 of 4 splice site algorithms. The p.Ala1579= variant results in a substitution of a base that is not predicted conserved by GERP++ and PhyloP. For these reasons, this variant has been classified as Likely Benign

Labcorp Genetics (formerly Invitae), Labcorp
Classification: Likely benign for Hereditary breast ovarian cancer syndrome. Last evaluated: 2022-09-27. Review status: criteria provided, single submitter. Criteria: Invitae Variant Classification Sherloc (09022015). Collection method: clinical testing. Allele origin: germline.

Ambry Genetics
Classification: Likely benign for Hereditary cancer-predisposing syndrome. Last evaluated: 2015-10-30. Review status: criteria provided, single submitter. Criteria: Ambry Variant Classification Scheme 2023. Collection method: clinical testing. Allele origin: germline.

NM_000059.4(BRCA2):c.4737A>C (p.Ala1579=)

Gene: BRCA2 (BRCA2 DNA repair associated; plus strand). Cytogenetic location: 13q13.1.
Variant type: single nucleotide variant.
Coding change: c.4737A>C on transcript NM_000059.4 (MANE Select); coding-DNA position 4737, A replaced by C.
Protein change: p.Ala1579=; no amino-acid change (alanine 1579 retained).
Molecular consequence: synonymous variant.
Genome position (GRCh38, 1-based): chr13:32,339,092, A>C. VCF-style: chr13-32339092-A-C. GRCh37 (hg19) VCF-style: chr13-32913229-A-C.
Identifiers: ClinVar variation 1080620 (VCV001080620.12), dbSNP rs1555283921, ClinGen allele CA483438177.
Genomic context (GRCh38, chr13:32,339,092, plus strand): 5'-TAGCCATCAATGGGCAAAGACCCTAAAGTACAGAGAGGCCTGTAAAGACCTTGAATTAGC[A>C]TGTGAGACCATTGAGATCACAGCTGCCCCAAAGTGTAAAGAAATGCAGAATTCTCTCAAT-3'
Protein context (NP_000050.3, residues 1569-1589): YREACKDLEL[Ala1579=]CETIEITAAP